The following is an entry in ClinVar:

NM_005159.5(ACTC1):c.1083G>T (p.Lys361Asn)

Genes: GJD2-DT (GJD2 divergent transcript; plus strand), ACTC1 (actin alpha cardiac muscle 1; minus strand). Cytogenetic location: 15q14.
Variant type: single nucleotide variant.
Coding change: c.1083G>T on transcript NM_005159.5 (MANE Select); coding-DNA position 1083, G replaced by T.
Protein change: p.Lys361Asn; replaces lysine 361 with asparagine.
Molecular consequence: missense variant.
Genome position (GRCh38, 1-based): chr15:34,790,463, C>A on the plus strand (G>T on the coding strand, the complement: ACTC1 is on the minus strand). VCF-style: chr15-34790463-C-A. GRCh37 (hg19) VCF-style: chr15-35082664-C-A.
Other names: c.1083G>T (LRG_388t1); short protein forms K361N.
Identifiers: ClinVar variation 423456 (VCV000423456.2), dbSNP rs754736799, ClinGen allele CA16619918.
Genomic context (GRCh38, chr15:34,790,463, plus strand): 5'-GAAGGCATCTTAGAAGCATTTGCGGTGGACAATGGATGGGCCTGCCTCATCGTACTCTTG[C>A]TTGCTAATCCACATTTGCTGGAAGGTGGACAGAGAGGCCAGGATGGAGCCCCCAATCCAG-3'
Protein context (NP_005150.1, residues 351-371): LSTFQQMWIS[Lys361Asn]QEYDEAGPSI

ClinVar aggregate classification (germline): Uncertain significance (1 of 4 stars; one submission).

Submission:

GeneDx
Classification: Uncertain significance. Last evaluated: 2017-02-23. Review status: criteria provided, single submitter. Criteria: GeneDx Variant Classification (06012015). Collection method: clinical testing. Allele origin: germline. Affected: yes.
Comment: The K361N variant has not been published as pathogenic or been reported as benign to our knowledge. The K361N variant is not observed in large population cohorts (Lek et al., 2016; 1000 Genomes Consortium et al., 2015; Exome Variant Server). The K361N variant is a semi-conservative amino acid substitution, which may impact secondary protein structure as these residues differ in some properties. This substitution occurs at a position that is conserved across specie. The majority of in silico analyses (2 out of 3) predict this variant is probably damaging to the protein structure/function.